The following is an entry in ClinVar:

ClinVar aggregate classification (germline): Benign/Likely benign. Review status: criteria provided, multiple submitters, no conflicts (2 of 4 stars). 8 submissions from 8 submitters: Benign (1); Likely benign (7). Last evaluated 2026-07-23.

Conditions:
SMARCA4-related disorder. Also called: SMARCA4-related condition.
Rhabdoid tumor predisposition syndrome 2 (RTPS2). Identifiers: Orphanet 231108, Orphanet 69077, MedGen C2750074, MONDO:0013224, OMIM 613325.
Hereditary cancer-predisposing syndrome. Also called: Hereditary Cancer Syndrome; Hereditary neoplastic syndrome; Neoplastic Syndromes, Hereditary; Tumor predisposition. Identifiers: Orphanet 140162, MedGen C0027672, MeSH D009386, MONDO:0015356.

Allele frequency attached by ClinVar (database versions not stated): gnomAD exomes 0.00001 and 0.00002; ExAC 0.00005; TOPMed below 0.00001; gnomAD 0.00001.
gnomAD v4.1: 13 of 1,613,760 alleles (0.00081%); highest among the groups gnomAD compares: East Asian, 0.0045%; no homozygotes.

Submissions (8):

Myriad Genetics, Inc.
Classification: Benign for Rhabdoid tumor predisposition syndrome 2. Last evaluated: 2026-07-23. Review status: criteria provided, single submitter. Criteria: Myriad Autosomal Dominant, Autosomal Recessive and X-Linked Classification Criteria (2023). Collection method: clinical testing. Allele origin: unknown.
Comment: This variant is considered benign. This variant is a silent/synonymous amino acid change and it is not expected to impact splicing.

PreventionGenetics, part of Exact Sciences
Classification: Likely benign for SMARCA4-related condition. Last evaluated: 2026-04-18. Review status: criteria provided, single submitter. Criteria: ACMG Guidelines, 2015. Collection method: clinical testing. Allele origin: germline.
Comment: This variant is classified as likely benign based on ACMG/AMP sequence variant interpretation guidelines (Richards et al. 2015 PMID: 25741868, with internal and published modifications).

Labcorp Genetics (formerly Invitae), Labcorp
Classification: Likely benign for Rhabdoid tumor predisposition syndrome 2. Last evaluated: 2026-01-04. Review status: criteria provided, single submitter. Criteria: Invitae Variant Classification Sherloc (09022015). Collection method: clinical testing. Allele origin: germline.

Quest Diagnostics Nichols Institute San Juan Capistrano
Classification: Likely benign. Last evaluated: 2024-12-23. Review status: criteria provided, single submitter. Criteria: Quest Diagnostics criteria. Collection method: clinical testing. Allele origin: unknown.

Ambry Genetics
Classification: Likely benign for Hereditary cancer-predisposing syndrome. Last evaluated: 2024-10-20. Review status: criteria provided, single submitter. Criteria: Ambry Variant Classification Scheme 2023. Collection method: clinical testing. Allele origin: germline.

Blueprint Genetics
Classification: Likely benign. Last evaluated: 2022-07-26. Review status: criteria provided, single submitter. Criteria: ACMG Guidelines, 2015. Collection method: clinical testing. Allele origin: germline.

Sema4
Classification: Likely benign for Hereditary cancer-predisposing syndrome. Last evaluated: 2021-12-23. Review status: criteria provided, single submitter. Criteria: Sema4 Curation Guidelines. Collection method: curation. Allele origin: germline.

GeneDx
Classification: Likely benign. Last evaluated: 2017-05-26. Review status: criteria provided, single submitter. Criteria: GeneDx Variant Classification (06012015). Collection method: clinical testing. Allele origin: germline. Affected: yes.
Comment: This variant is considered likely benign or benign based on one or more of the following criteria: it is a conservative change, it occurs at a poorly conserved position in the protein, it is predicted to be benign by multiple in silico algorithms, and/or has population frequency not consistent with disease.

Literature cited by the submitters: PubMed 27869121 (cited by Quest Diagnostics Nichols Institute San Juan Capistrano).

NM_003072.5(SMARCA4):c.4764C>T (p.Ser1588=)

Gene: SMARCA4 (SWI/SNF related BAF chromatin remodeling complex subunit ATPase 4; plus strand). Cytogenetic location: 19p13.2.
Variant type: single nucleotide variant.
Coding change: c.4764C>T on transcript NM_003072.5 (MANE Select); coding-DNA position 4764, C replaced by T.
Protein change: p.Ser1588=; no amino-acid change (serine 1588 retained).
Molecular consequence: synonymous variant. On other transcripts: non-coding transcript variant (1).
Genome position (GRCh38, 1-based): chr19:11,059,881, C>T. VCF-style: chr19-11059881-C-T. GRCh37 (hg19) VCF-style: chr19-11170557-C-T.
Other names: c.4764C>T, p.Ser1588= (NM_001128844.3); c.4674C>T, p.Ser1558= (NM_001128845.2); c.4671C>T, p.Ser1557= (NM_001128846.2); c.4665C>T, p.Ser1555= (NM_001128847.4, NM_001374457.1); c.4662C>T, p.Ser1554= (NM_001128848.2); c.4860C>T, p.Ser1620= (NM_001128849.3, NM_001387283.1).
Identifiers: ClinVar variation 415075 (VCV000415075.21), dbSNP rs754496173, ClinGen allele CA9204841.